The following is an entry in ClinVar:

NM_000142.5(FGFR3):c.946A>G (p.Thr316Ala)

Gene: FGFR3 (fibroblast growth factor receptor 3; plus strand). Cytogenetic location: 4p16.3.
Variant type: single nucleotide variant.
Coding change: c.946A>G on transcript NM_000142.5 (MANE Select); coding-DNA position 946, A replaced by G.
Protein change: p.Thr316Ala; replaces threonine 316 with alanine.
Molecular consequence: missense variant. On other transcripts: non-coding transcript variant (1), intron variant (2).
Genome position (GRCh38, 1-based): chr4:1,803,707, A>G. VCF-style: chr4-1803707-A-G. GRCh37 (hg19) VCF-style: chr4-1805434-A-G.
Other names: c.946A>G, p.Thr316Ala (NM_001354809.2, NM_001354810.2); c.1082-623A>G (NM_001163213.2); c.931-1117A>G (NM_022965.4); short protein forms T316A.
Identifiers: ClinVar variation 1328271 (VCV001328271.5), dbSNP rs2108793196, ClinGen allele CA355978096.

ClinVar aggregate classification (germline): Uncertain significance. Review status: criteria provided, single submitter (1 of 4 stars). 3 submissions from 3 submitters: Uncertain significance (1). 2 of the submissions do not count toward it. Last evaluated 2022-04-25.

Allele frequency attached by ClinVar (database versions not stated): gnomAD exomes below 0.00001.
gnomAD v4.1: 1 of 1,613,752 alleles (0.000062%); highest among the groups gnomAD compares: Non-Finnish European, 0.000085%; no homozygotes.

Submissions (3):

Labcorp Genetics (formerly Invitae), Labcorp
Classification: Uncertain significance. Last evaluated: 2022-04-25. Review status: criteria provided, single submitter. Criteria: Invitae Variant Classification Sherloc (09022015). Collection method: clinical testing. Allele origin: germline.
Comment: This sequence change replaces threonine, which is neutral and polar, with alanine, which is neutral and non-polar, at codon 316 of the FGFR3 protein (p.Thr316Ala). This variant is not present in population databases (gnomAD no frequency). This variant has not been reported in the literature in individuals affected with FGFR3-related conditions. ClinVar contains an entry for this variant (Variation ID: 1328271). Algorithms developed to predict the effect of missense changes on protein structure and function are either unavailable or do not agree on the potential impact of this missense change (SIFT: "Deleterious"; PolyPhen-2: "Benign"; Align-GVGD: "Class C0"). In summary, the available evidence is currently insufficient to determine the role of this variant in disease. Therefore, it has been classified as a Variant of Uncertain Significance.

Joint Genome Diagnostic Labs from Nijmegen and Maastricht, Radboudumc and MUMC+
Classification: Uncertain significance. Review status: no assertion criteria provided. Collection method: clinical testing. Allele origin: germline. Affected: yes. Study: VKGL Data-share Consensus. Not counted in ClinVar's aggregate classification.

Laboratory of Diagnostic Genome Analysis, Leiden University Medical Center (LUMC)
Classification: Uncertain significance. Review status: no assertion criteria provided. Collection method: clinical testing. Allele origin: germline. Affected: yes. Study: VKGL Data-share Consensus. Not counted in ClinVar's aggregate classification.